The following is an entry in ClinVar:

ClinVar aggregate classification (germline): Uncertain significance (1 of 4 stars; one submission).

Allele frequency attached by ClinVar (database versions not stated): ExAC 0.00002.
gnomAD v4.1: 31 of 1,613,570 alleles (0.0019%); highest among the groups gnomAD compares: Middle Eastern, 0.033%; no homozygotes.

Submissions (3):

Labcorp Genetics (formerly Invitae), Labcorp
Classification: Uncertain significance. Last evaluated: 2024-04-01. Review status: criteria provided, single submitter. Criteria: Invitae Variant Classification Sherloc (09022015). Collection method: clinical testing. Allele origin: germline.
Comment: This sequence change affects a donor splice site in intron 7 of the TOP1MT gene. It is expected to disrupt RNA splicing. Variants that disrupt the donor or acceptor splice site typically lead to a loss of protein function (PMID: 16199547), however the current clinical and genetic evidence is not sufficient to establish whether loss-of-function variants in TOP1MT cause disease. This variant is present in population databases (rs781461370, gnomAD 0.03%). This variant has not been reported in the literature in individuals affected with TOP1MT-related conditions. ClinVar contains an entry for this variant (Variation ID: 2168941). Algorithms developed to predict the effect of sequence changes on RNA splicing suggest that this variant may disrupt the consensus splice site. In summary, the available evidence is currently insufficient to determine the role of this variant in disease. Therefore, it has been classified as a Variant of Uncertain Significance.

Dr. Peter K. Rogan Lab, Western University
No classification provided (evidence only). Condition: Melanoma. Review status: no classification provided. Collection method: in vitro. Allele origin: not applicable. Functional consequence: retained intron. Not counted in ClinVar's aggregate classification.

Dr. Peter K. Rogan Lab, Western University
No classification provided (evidence only). Condition: Sarcoma. Review status: no classification provided. Collection method: in vitro. Allele origin: not applicable. Functional consequence: retained intron. Not counted in ClinVar's aggregate classification.

Literature cited by the submitters: PubMed 16199547 (cited by Labcorp Genetics (formerly Invitae), Labcorp).

NM_052963.3(TOP1MT):c.960+1G>T

Gene: TOP1MT (DNA topoisomerase I mitochondrial; minus strand). Cytogenetic location: 8q24.3.
Variant type: single nucleotide variant.
Coding change: c.960+1G>T on transcript NM_052963.3 (MANE Select); the canonical splice donor site of the intron after coding-DNA position 960, G replaced by T.
Molecular consequence: splice donor variant.
Genome position (GRCh38, 1-based): chr8:143,323,998, C>A on the plus strand (G>T on the coding strand, the complement: TOP1MT is on the minus strand). VCF-style: chr8-143323998-C-A. GRCh37 (hg19) VCF-style: chr8-144406168-C-A.
Other names: c.666+1G>T (NM_001258447.1, NM_001258446.1).
Identifiers: ClinVar variation 2168941 (VCV002168941.5), dbSNP rs781461370, ClinGen allele CA4908619.
Genomic context (GRCh38, chr8:143,323,998, plus strand): 5'-TGGGAGTCCTCGCCAGGAGAACCAGGATGAAGAGCCGCCAGGAAGCGAGAAGGCCGCATA[C>A]CTTATCGATGAAATACAGGGCCACCGCCCGCTGTCTCGTCTTCATTTCCCGAGACTTCCA-3'